The following is an entry in ClinVar:

ClinVar aggregate classification (germline): Uncertain significance. Review status: criteria provided, multiple submitters, no conflicts (2 of 4 stars). 2 submissions from 2 submitters: Uncertain significance (2). Last evaluated 2025-06-06.

Conditions:
Cardiovascular phenotype. Identifiers: MedGen CN230736.
Alstrom syndrome (ALMS). Identifiers: Orphanet 64, MedGen C0268425, MONDO:0008763, OMIM 203800.

Allele frequency attached by ClinVar (database versions not stated): ExAC 0.00001; gnomAD 0.00002; TOPMed 0.00002.

Submissions (2):

Ambry Genetics
Classification: Uncertain significance for Cardiovascular phenotype. Last evaluated: 2025-06-06. Review status: criteria provided, single submitter. Criteria: Ambry Variant Classification Scheme 2023. Collection method: clinical testing. Allele origin: germline.
Comment: The p.K3482N variant (also known as c.10446G>C), located in coding exon 16 of the ALMS1 gene, results from a G to C substitution at nucleotide position 10446. The lysine at codon 3482 is replaced by asparagine, an amino acid with similar properties. This amino acid position is not well conserved in available vertebrate species. In addition, this alteration is predicted to be tolerated by in silico analysis. Based on the available evidence, the clinical significance of this variant remains unclear.

Labcorp Genetics (formerly Invitae), Labcorp
Classification: Uncertain significance for Alstrom syndrome. Last evaluated: 2022-03-29. Review status: criteria provided, single submitter. Criteria: Invitae Variant Classification Sherloc (09022015). Collection method: clinical testing. Allele origin: germline.
Comment: This sequence change replaces lysine, which is basic and polar, with asparagine, which is neutral and polar, at codon 3482 of the ALMS1 protein (p.Lys3482Asn). This variant is present in population databases (rs748702261, gnomAD 0.004%). This variant has not been reported in the literature in individuals affected with ALMS1-related conditions. Experimental studies and prediction algorithms are not available or were not evaluated, and the functional significance of this variant is currently unknown. In summary, the available evidence is currently insufficient to determine the role of this variant in disease. Therefore, it has been classified as a Variant of Uncertain Significance.

NM_001378454.1(ALMS1):c.10443G>C (p.Lys3481Asn)

Gene: ALMS1 (ALMS1 centrosome and basal body associated protein; plus strand). Cytogenetic location: 2p13.1.
Variant type: single nucleotide variant.
Coding change: c.10443G>C on transcript NM_001378454.1 (MANE Select); coding-DNA position 10443, G replaced by C.
Protein change: p.Lys3481Asn; replaces lysine 3481 with asparagine.
Molecular consequence: missense variant.
Genome position (GRCh38, 1-based): chr2:73,572,320, G>C. VCF-style: chr2-73572320-G-C. GRCh37 (hg19) VCF-style: chr2-73799447-G-C.
Other names: c.10446G>C, p.Lys3482Asn (NM_015120.4); short protein forms K3481N, K3482N.
Identifiers: ClinVar variation 2061667 (VCV002061667.3), dbSNP rs748702261, ClinGen allele CA1715006.